The following is an entry in ClinVar:

ClinVar aggregate classification (germline): Uncertain significance (1 of 4 stars; one submission).

Conditions:
Hereditary cancer-predisposing syndrome. Also called: Tumor predisposition; Neoplastic Syndromes, Hereditary; Hereditary neoplastic syndrome; Hereditary Cancer Syndrome. Identifiers: Orphanet 140162, MedGen C0027672, MeSH D009386, MONDO:0015356.

Submission:

Ambry Genetics
Classification: Uncertain significance for Hereditary cancer-predisposing syndrome. Last evaluated: 2024-07-05. Review status: criteria provided, single submitter. Criteria: Ambry Variant Classification Scheme 2023. Collection method: clinical testing. Allele origin: germline.
Comment: The p.A1719V variant (also known as c.5156C>T), located in coding exon 39 of the TSC2 gene, results from a C to T substitution at nucleotide position 5156. The alanine at codon 1719 is replaced by valine, an amino acid with similar properties. This amino acid position is conserved. In addition, this alteration is predicted to be deleterious by in silico analysis. Based on the available evidence, the clinical significance of this variant remains unclear.

NM_000548.5(TSC2):c.5156C>T (p.Ala1719Val)

Gene: TSC2 (TSC complex subunit 2; plus strand). Cytogenetic location: 16p13.3.
Variant type: single nucleotide variant.
Coding change: c.5156C>T on transcript NM_000548.5 (MANE Select); coding-DNA position 5156, C replaced by T.
Protein change: p.Ala1719Val; replaces alanine 1719 with valine.
Molecular consequence: missense variant. On other transcripts: non-coding transcript variant (5).
Genome position (GRCh38, 1-based): chr16:2,088,135, C>T. VCF-style: chr16-2088135-C-T. GRCh37 (hg19) VCF-style: chr16-2138136-C-T.
Other names: c.4955C>T, p.Ala1652Val (NM_001077183.3); c.5087C>T, p.Ala1696Val (NM_001114382.3); c.4847C>T, p.Ala1616Val (NM_001318827.2); c.4811C>T, p.Ala1604Val (NM_001318829.2); c.4424C>T, p.Ala1475Val (NM_001318831.2); c.4988C>T, p.Ala1663Val (NM_001318832.2); c.4958C>T, p.Ala1653Val (NM_001363528.2); c.5024C>T, p.Ala1675Val (NM_001370404.1); and 26 more; short protein forms A1205V, A1495V, A1615V, A1693V, A1695V, A1696V, A1118V, A1227V.
Identifiers: ClinVar variation 3462578 (VCV003462578.1).